The following is an entry in ClinVar:

ClinVar aggregate classification (germline): Pathogenic. Review status: criteria provided, multiple submitters, no conflicts (2 of 4 stars). 2 submissions from 2 submitters: Pathogenic (2). Last evaluated 2026-01-02.

Conditions:
Hereditary cancer-predisposing syndrome. Also called: Neoplastic Syndromes, Hereditary; Hereditary neoplastic syndrome; Tumor predisposition; Hereditary Cancer Syndrome. Identifiers: Orphanet 140162, MedGen C0027672, MeSH D009386, MONDO:0015356.
Hereditary breast ovarian cancer syndrome. Also called: Hereditary breast and/or ovarian cancer syndrome; Breast and ovarian cancer; Hereditary breast and ovarian cancer; Hereditary breast and ovarian cancer syndrome (HBOC); Hereditary breast and ovarian cancer syndrome; BRCA1- and BRCA2-Associated Hereditary Breast and Ovarian Cancer. Identifiers: Orphanet 145, MedGen C0677776, MeSH D061325, MONDO:0003582. Disease mechanism: loss of function.

Submissions (2):

Ambry Genetics
Classification: Pathogenic for Hereditary cancer-predisposing syndrome. Last evaluated: 2026-01-02. Review status: criteria provided, single submitter. Criteria: Ambry Variant Classification Scheme 2023. Collection method: clinical testing. Allele origin: germline.
Comment: The c.6589dupA pathogenic mutation, located in coding exon 10 of the BRCA2 gene, results from a duplication of A at nucleotide position 6589, causing a translational frameshift with a predicted alternate stop codon (p.T2197Nfs*2). This variant is considered to be rare based on population cohorts in the Genome Aggregation Database (gnomAD). This alteration is expected to result in loss of function by premature protein truncation or nonsense-mediated mRNA decay. As such, this alteration is interpreted as a disease-causing mutation.

Labcorp Genetics (formerly Invitae), Labcorp
Classification: Pathogenic for Hereditary breast ovarian cancer syndrome. Last evaluated: 2022-10-18. Review status: criteria provided, single submitter. Criteria: Invitae Variant Classification Sherloc (09022015). Collection method: clinical testing. Allele origin: germline.
Comment: For these reasons, this variant has been classified as Pathogenic. ClinVar contains an entry for this variant (Variation ID: 654266). This variant has not been reported in the literature in individuals affected with BRCA2-related conditions. This variant is not present in population databases (gnomAD no frequency). This sequence change creates a premature translational stop signal (p.Thr2197Asnfs*2) in the BRCA2 gene. It is expected to result in an absent or disrupted protein product. Loss-of-function variants in BRCA2 are known to be pathogenic (PMID: 20104584).

Literature cited by the submitters: PubMed 20104584 (cited by Labcorp Genetics (formerly Invitae), Labcorp).

NM_000059.4(BRCA2):c.6589dup (p.Thr2197fs)

Gene: BRCA2 (BRCA2 DNA repair associated; plus strand). Cytogenetic location: 13q13.1.
Variant type: Duplication.
Coding change: c.6589dup on transcript NM_000059.4 (MANE Select); coding-DNA position 6589, one base duplicated (A; older notation c.6589dupA).
Protein change: p.Thr2197fs; shifts the reading frame from threonine 2197.
Molecular consequence: frameshift variant.
Genome position (GRCh38, 1-based): chr13:32,340,944, A duplicated; the last of 4 consecutive A bases (chr13:32,340,941-32,340,944); duplicating any one gives the same sequence. VCF-style (leftmost placement, unchanged base first): chr13-32340940-T-TA. GRCh37 (hg19) VCF-style: chr13-32915077-T-TA.
Other names: c.6589dupA (NM_000059.3); short protein forms T2197fs.
Identifiers: ClinVar variation 654266 (VCV000654266.8), dbSNP rs397507868, ClinGen allele CA915948509.
Genomic context (GRCh38, chr13:32,340,940, plus strand): 5'-GAACATTCATGTTTTGGGAAAAGAACAGGCTTCACCTAAAAACGTAAAAATGGAAATTGG[T>TA]AAAACTGAAACTTTTTCTGATGTTCCTGTGAAAACAAATATAGAAGTTTGTTCTACTTAC-3'